The following is an entry in ClinVar:

NM_004360.5(CDH1):c.1770C>T (p.Asp590=)

Gene: CDH1 (cadherin 1; plus strand). Cytogenetic location: 16q22.1.
Variant type: single nucleotide variant.
Coding change: c.1770C>T on transcript NM_004360.5 (MANE Select); coding-DNA position 1770, C replaced by T.
Protein change: p.Asp590=; no amino-acid change (aspartic acid 590 retained).
Molecular consequence: synonymous variant. On other transcripts: 5 prime UTR variant (1).
Genome position (GRCh38, 1-based): chr16:68,822,059, C>T. VCF-style: chr16-68822059-C-T. GRCh37 (hg19) VCF-style: chr16-68855962-C-T.
Other names: c.1587C>T, p.Asp529= (NM_001317184.2); c.222C>T, p.Asp74= (NM_001317185.2); c.-196C>T (NM_001317186.2).
Identifiers: ClinVar variation 491513 (VCV000491513.4), dbSNP rs864622319, ClinGen allele CA496392542.
Genomic context (GRCh38, chr16:68,822,059, plus strand): 5'-AGGTTCTCCAGTTGCTACTGGAACAGGGACACTTCTGCTGATCCTGTCTGATGTGAATGA[C>T]AACGCCCCCATACCAGAACCTCGAACTATATTCTTCTGTGAGAGGAATCCAAAGCCTCAG-3'
Protein context (NP_004351.1, residues 580-600): TLLLILSDVN[Asp590=]NAPIPEPRTI

ClinVar aggregate classification (germline): Benign/Likely benign. Review status: criteria provided, multiple submitters, no conflicts (2 of 4 stars). 2 submissions from 2 submitters: Benign (1); Likely benign (1). Last evaluated 2024-09-20.

Conditions:
Hereditary cancer-predisposing syndrome. Also called: Tumor predisposition; Neoplastic Syndromes, Hereditary; Hereditary Cancer Syndrome; Hereditary neoplastic syndrome. Identifiers: Orphanet 140162, MedGen C0027672, MeSH D009386, MONDO:0015356.
Hereditary diffuse gastric adenocarcinoma (HDGC). Also called: DIFFUSE GASTRIC AND LOBULAR BREAST CANCER SYNDROME. Identifiers: Orphanet 26106, MedGen C1708349, MONDO:0007648, OMIM 137215.

Submissions (2):

Myriad Genetics, Inc.
Classification: Benign for Hereditary diffuse gastric adenocarcinoma. Last evaluated: 2024-09-20. Review status: criteria provided, single submitter. Criteria: Myriad Autosomal Dominant, Autosomal Recessive and X-Linked Classification Criteria (2023). Collection method: clinical testing. Allele origin: unknown.
Comment: This variant is considered benign. This variant is a silent/synonymous amino acid change and it is not expected to impact splicing.

Color Diagnostics, LLC DBA Color Health
Classification: Likely benign for Hereditary cancer-predisposing syndrome. Last evaluated: 2017-06-12. Review status: criteria provided, single submitter. Criteria: ACMG Guidelines, 2015. Collection method: clinical testing. Allele origin: germline.